The following is an entry in ClinVar:

NM_018979.4(WNK1):c.4968A>G (p.Glu1656=)

Gene: WNK1 (WNK lysine deficient protein kinase 1; plus strand). Cytogenetic location: 12p13.33.
Variant type: single nucleotide variant.
Coding change: c.4968A>G on transcript NM_018979.4 (MANE Select); coding-DNA position 4968, A replaced by G.
Protein change: p.Glu1656=; no amino-acid change (glutamic acid 1656 retained).
Molecular consequence: synonymous variant.
Genome position (GRCh38, 1-based): chr12:885,772, A>G. VCF-style: chr12-885772-A-G. GRCh37 (hg19) VCF-style: chr12-994938-A-G.
Other names: c.5748A>G, p.Glu1916= (NM_001184985.2); c.4227A>G, p.Glu1409= (NM_014823.3); c.5724A>G, p.Glu1908= (NM_213655.5).
Identifiers: ClinVar variation 1879221 (VCV001879221.34), dbSNP rs140035394, ClinGen allele CA6383051.

ClinVar aggregate classification (germline): Likely benign. Review status: criteria provided, multiple submitters, no conflicts (2 of 4 stars). 2 submissions from 2 submitters: Likely benign (2). Last evaluated 2025-12-01.

Conditions:
Neuropathy, hereditary sensory and autonomic, type 2A (HSAN2A). Also called: HSAN IIA; WNK1-Related HSAN2 (HSAN2A); MORVAN DISEASE; NEUROPATHY, CONGENITAL SENSORY; NEUROPATHY, HEREDITARY SENSORY RADICULAR, AUTOSOMAL RECESSIVE; ACROOSTEOLYSIS, GIACCAI TYPE. Identifiers: Orphanet 970, MedGen C2752089, MONDO:0024309, OMIM 201300.
Pseudohypoaldosteronism type 2C (PHA2C). Also called: Pseudohypoaldosteronism Type IIC. Identifiers: Orphanet 757, Orphanet 88940, MedGen C1840391, MONDO:0013778, OMIM 614492.

Allele frequency attached by ClinVar (database versions not stated): ExAC 0.00002; TOPMed 0.00003; gnomAD 0.00004; gnomAD exomes 0.00004; ESP Exome Variant Server 0.00008.
gnomAD v4.1: 64 of 1,614,118 alleles (0.004%); highest among the groups gnomAD compares: East Asian, 0.011%; no homozygotes.

Submissions (2):

Labcorp Genetics (formerly Invitae), Labcorp
Classification: Likely benign for Neuropathy, hereditary sensory and autonomic, type 2A; Pseudohypoaldosteronism type 2C. Last evaluated: 2025-12-01. Review status: criteria provided, single submitter. Criteria: Invitae Variant Classification Sherloc (09022015). Collection method: clinical testing. Allele origin: germline.

CeGaT Center for Human Genetics Tuebingen
Classification: Likely benign. Last evaluated: 2023-03-01. Review status: criteria provided, single submitter. Criteria: CeGaT Center For Human Genetics Tuebingen Variant Classification Criteria Version 2. Collection method: clinical testing. Allele origin: germline. Affected: yes. Observed: 2 variant alleles.
Comment: WNK1: BP4, BP7